The following is an entry in ClinVar:

NM_032119.4(ADGRV1):c.5953A>C (p.Asn1985His)

Gene: ADGRV1 (adhesion G protein-coupled receptor V1; plus strand). Cytogenetic location: 5q14.3.
Variant type: single nucleotide variant.
Coding change: c.5953A>C on transcript NM_032119.4 (MANE Select); coding-DNA position 5953, A replaced by C.
Protein change: p.Asn1985His; replaces asparagine 1985 with histidine.
Molecular consequence: missense variant. On other transcripts: non-coding transcript variant (1).
Genome position (GRCh38, 1-based): chr5:90,683,874, A>C. VCF-style: chr5-90683874-A-C. GRCh37 (hg19) VCF-style: chr5-89979691-A-C.
Other names: short protein forms N1985H.
Identifiers: ClinVar variation 196141 (VCV000196141.23), dbSNP rs41303352, ClinGen allele CA242978.

ClinVar aggregate classification (germline): Conflicting classifications of pathogenicity. Review status: criteria provided, conflicting classifications (1 of 4 stars). 6 submissions from 6 submitters: Uncertain significance (1); Likely benign (4). 1 of the submissions does not count toward it. Last evaluated 2026-04-06.

Conditions:
ADGRV1-related disorder. Also called: ADGRV1-related disorders; ADGRV1-related condition.

Allele frequency attached by ClinVar (database versions not stated): 1000 Genomes Project 0.00060; 1000 Genomes Project 30x 0.00078.
gnomAD v4.1: 280 of 1,613,072 alleles (0.017%); highest among the groups gnomAD compares: African/African-American, 0.32%; no homozygotes.

Submissions (6):

Women's Health and Genetics/Laboratory Corporation of America, LabCorp
Classification: Likely benign. Last evaluated: 2026-04-06. Review status: criteria provided, single submitter. Criteria: LabCorp Variant Classification Summary - May 2015. Collection method: clinical testing. Allele origin: germline.
Comment: Variant summary: ADGRV1 c.5953A>C (p.Asn1985His) results in a conservative amino acid change in the encoded protein sequence. Algorithms developed to predict the effect of missense changes on protein structure and function are either unavailable or do not agree on the potential impact of this missense change. The variant allele was found at a frequency of 0.00026 in 246954 control chromosomes, predominantly at a frequency of 0.0038 within the African or African-American subpopulation in the gnomAD database. The observed variant frequency within African or African-American control individuals in the gnomAD database exceeds the estimated maximal expected allele frequency for disease-causing variants in ADGRV1. To our knowledge, no occurrence of c.5953A>C in individuals affected with ADGRV1-related conditions and no experimental evidence demonstrating its impact on protein function have been reported. ClinVar contains an entry for this variant (Variation ID: 196141). Based on the evidence outlined above, the variant was classified as likely benign.

Labcorp Genetics (formerly Invitae), Labcorp
Classification: Likely benign. Last evaluated: 2026-02-01. Review status: criteria provided, single submitter. Criteria: Invitae Variant Classification Sherloc (09022015). Collection method: clinical testing. Allele origin: germline.

Blueprint Genetics
Classification: Likely benign. Last evaluated: 2024-08-06. Review status: criteria provided, single submitter. Criteria: ACMG Guidelines, 2015. Collection method: clinical testing. Allele origin: germline.

Eurofins Ntd Llc (ga)
Classification: Uncertain significance. Last evaluated: 2017-01-04. Review status: criteria provided, single submitter. Criteria: EGL Classification Definitions 2015. Collection method: clinical testing. Allele origin: germline. Observed: 4 variant alleles, 4 heterozygotes.

Laboratory for Molecular Medicine, Mass General Brigham Personalized Medicine
Classification: Likely benign. Last evaluated: 2015-07-20. Review status: criteria provided, single submitter. Criteria: LMM Criteria. Collection method: clinical testing. Allele origin: germline. Observed: 2 variant alleles.
Comment: p.Asn1985His in exon 28 of GPR98: This variant is not expected to have clinical significance it has been identified in 0.32% (31/9680) of African chromosomes by the Exome Aggregation Consortium (ExAC; dbSNP r s41303352).

PreventionGenetics, part of Exact Sciences
Classification: Likely benign for ADGRV1-related condition. Last evaluated: 2022-05-05. Review status: no assertion criteria provided. Collection method: clinical testing. Allele origin: germline. Not counted in ClinVar's aggregate classification.
Comment: This variant is classified as likely benign based on ACMG/AMP sequence variant interpretation guidelines (Richards et al. 2015 PMID: 25741868, with internal and published modifications).